The following is an entry in ClinVar:

NM_000052.7(ATP7A):c.4250G>C (p.Ser1417Thr)

Gene: ATP7A (ATPase copper transporting alpha; plus strand). Cytogenetic location: Xq21.1.
Variant type: single nucleotide variant.
Coding change: c.4250G>C on transcript NM_000052.7 (MANE Select); coding-DNA position 4250, G replaced by C.
Protein change: p.Ser1417Thr; replaces serine 1417 with threonine.
Molecular consequence: missense variant. On other transcripts: non-coding transcript variant (1).
Genome position (GRCh38, 1-based): chrX:78,046,317, G>C. VCF-style: chrX-78046317-G-C. GRCh37 (hg19) VCF-style: chrX-77301814-G-C.
Other names: c.4016G>C, p.Ser1339Thr (NM_001282224.2); short protein forms S1417T, S1339T.
Identifiers: ClinVar variation 2632552 (VCV002632552.1), dbSNP rs2078083157, ClinGen allele CA413606012.

ClinVar aggregate classification (germline): Uncertain significance (1 of 4 stars; one submission).

Conditions:
ATP7A-related disorder. Also called: ATP7A-related condition.

gnomAD v4.1: 4 of 1,211,821 alleles (0.00033%); highest among the groups gnomAD compares: Non-Finnish European, 0.00045%; no homozygotes.

Submission:

PreventionGenetics, part of Exact Sciences
Classification: Uncertain significance for ATP7A-related condition. Last evaluated: 2023-05-23. Review status: criteria provided, single submitter. Criteria: ACMG Guidelines, 2015. Collection method: clinical testing. Allele origin: germline.
Comment: The ATP7A c.4250G>C variant is predicted to result in the amino acid substitution p.Ser1417Thr. To our knowledge, this variant has not been reported in the literature or in a large population database, indicating this variant is rare. At this time, the clinical significance of this variant is uncertain due to the absence of conclusive functional and genetic evidence.